The following is an entry in ClinVar:

NM_000081.4(LYST):c.4377G>A (p.Pro1459=)

Gene: LYST (lysosomal trafficking regulator; minus strand). Cytogenetic location: 1q42.3.
Variant type: single nucleotide variant.
Coding change: c.4377G>A on transcript NM_000081.4 (MANE Select); coding-DNA position 4377, G replaced by A.
Protein change: p.Pro1459=; no amino-acid change (proline 1459 retained).
Molecular consequence: synonymous variant.
Genome position (GRCh38, 1-based): chr1:235,791,865, C>T on the plus strand (G>A on the coding strand, the complement: LYST is on the minus strand). VCF-style: chr1-235791865-C-T. GRCh37 (hg19) VCF-style: chr1-235955165-C-T.
Other names: c.4377G>A, p.Pro1459= (NM_001301365.1).
Identifiers: ClinVar variation 525185 (VCV000525185.17), dbSNP rs776296383, ClinGen allele CA1466856.
Genomic context (GRCh38, chr1:235,791,865, plus strand): 5'-AAACCACAGGGAAACACTGAAACCTTCTGATAGGTGTGGCCAGCAGTTTTGCCCCAGCAA[C>T]GGCAGGTGGACTGGGGCTATGTGCCAAGATGAAAGCAGCCGATGGGGAAAACTCTCTCTA-3'
Protein context (NP_000072.2, residues 1449-1469): SSWHIAPVHL[Pro1459=]LLGQNCWPHL

ClinVar aggregate classification (germline): Likely benign. Review status: criteria provided, multiple submitters, no conflicts (2 of 4 stars). 3 submissions from 3 submitters: Likely benign (3). Last evaluated 2025-12-23.

Conditions:
Chédiak-Higashi syndrome (CHS). Also called: Chediak-Higashi Syndrome. Identifiers: Orphanet 167, MedGen C0007965, MONDO:0008963, OMIM 214500.

Allele frequency attached by ClinVar (database versions not stated): gnomAD 0.00001; gnomAD exomes 0.00001; ExAC 0.00002; TOPMed 0.00003.
gnomAD v4.1: 16 of 1,614,038 alleles (0.00099%); highest among the groups gnomAD compares: Admixed American, 0.017%; no homozygotes.

Submissions (3):

Labcorp Genetics (formerly Invitae), Labcorp
Classification: Likely benign for Chédiak-Higashi syndrome. Last evaluated: 2025-12-23. Review status: criteria provided, single submitter. Criteria: Invitae Variant Classification Sherloc (09022015). Collection method: clinical testing. Allele origin: germline.

CeGaT Center for Human Genetics Tuebingen
Classification: Likely benign. Last evaluated: 2025-08-01. Review status: criteria provided, single submitter. Criteria: CeGaT Center For Human Genetics Tuebingen Variant Classification Criteria Version 2. Collection method: clinical testing. Allele origin: germline. Affected: yes. Observed: 1 variant allele.
Comment: LYST: BP4, BP7

Blueprint Genetics
Classification: Likely benign. Last evaluated: 2019-09-24. Review status: criteria provided, single submitter. Criteria: ACMG Guidelines, 2015. Collection method: clinical testing. Allele origin: germline.